The following is an entry in ClinVar:

NM_000548.5(TSC2):c.3998A>G (p.Tyr1333Cys)

Gene: TSC2 (TSC complex subunit 2; plus strand). Cytogenetic location: 16p13.3.
Variant type: single nucleotide variant.
Coding change: c.3998A>G on transcript NM_000548.5 (MANE Select); coding-DNA position 3998, A replaced by G.
Protein change: p.Tyr1333Cys; replaces tyrosine 1333 with cysteine.
Molecular consequence: missense variant.
Genome position (GRCh38, 1-based): chr16:2,083,809, A>G. VCF-style: chr16-2083809-A-G. GRCh37 (hg19) VCF-style: chr16-2133810-A-G.
Other names: c.3797A>G, p.Tyr1266Cys (NM_001077183.3); c.3929A>G, p.Tyr1310Cys (NM_001114382.3); c.3689A>G, p.Tyr1230Cys (NM_001318827.2); c.3653A>G, p.Tyr1218Cys (NM_001318829.2); c.3266A>G, p.Tyr1089Cys (NM_001318831.2); c.3830A>G, p.Tyr1277Cys (NM_001318832.2); c.3800A>G, p.Tyr1267Cys (NM_001363528.2); c.3866A>G, p.Tyr1289Cys (NM_001370404.1); and 1 more; short protein forms Y1333C, Y1277C, Y1218C, Y1266C, Y1310C, Y1290C, Y1089C, Y1230C.
Identifiers: ClinVar variation 238038 (VCV000238038.10), dbSNP rs878854099, ClinGen allele CA10583328.

ClinVar aggregate classification (germline): Uncertain significance. Review status: criteria provided, multiple submitters, no conflicts (2 of 4 stars). 5 submissions from 5 submitters: Uncertain significance (5). Last evaluated 2026-04-15.

Conditions:
Hereditary cancer-predisposing syndrome. Also called: Neoplastic Syndromes, Hereditary; Hereditary Cancer Syndrome; Tumor predisposition; Hereditary neoplastic syndrome. Identifiers: Orphanet 140162, MedGen C0027672, MeSH D009386, MONDO:0015356.
Isolated focal cortical dysplasia type II (FCORD2). Also called: Focal cortical dysplasia type II; CORTICAL DYSPLASIA OF TAYLOR. Identifiers: Orphanet 268994, MedGen C1846385, MONDO:0011818, OMIM 607341, HP:0032051.
Tuberous sclerosis syndrome (TSC). Also called: Tuberous Sclerosis Complex; Tuberous sclerosis. Identifiers: Orphanet 805, MedGen C0041341, MONDO:0001734.
Tuberous sclerosis 2 (TSC2). Identifiers: Orphanet 805, MedGen C1860707, MONDO:0013199, OMIM 613254.

Allele frequency attached by ClinVar (database versions not stated): TOPMed 0.00001.

Submissions (5):

Ambry Genetics
Classification: Uncertain significance for Hereditary cancer-predisposing syndrome. Last evaluated: 2026-04-15. Review status: criteria provided, single submitter. Criteria: Ambry Variant Classification Scheme 2023. Collection method: clinical testing. Allele origin: germline.
Comment: The p.Y1333C variant (also known as c.3998A>G), located in coding exon 32 of the TSC2 gene, results from an A to G substitution at nucleotide position 3998. The tyrosine at codon 1333 is replaced by cysteine, an amino acid with highly dissimilar properties. This amino acid position is well conserved in available vertebrate species. In addition, the in silico prediction for this alteration is inconclusive. Based on the available evidence, the clinical significance of this variant remains unclear.

Color Diagnostics, LLC DBA Color Health
Classification: Uncertain significance for Tuberous sclerosis syndrome. Last evaluated: 2024-03-06. Review status: criteria provided, single submitter. Criteria: ACMG Guidelines, 2015. Collection method: clinical testing. Allele origin: germline.
Comment: This missense variant replaces tyrosine with cysteine at codon 1333 of the TSC2 protein. Computational prediction suggests that this variant may not impact protein structure and function. To our knowledge, functional studies have not been reported for this variant. This variant has not been reported in individuals affected with tuberous sclerosis complex in the literature. This variant has not been identified in the general population by the Genome Aggregation Database (gnomAD). The available evidence is insufficient to determine the role of this variant in disease conclusively. Therefore, this variant is classified as a Variant of Uncertain Significance.

All of Us Research Program, National Institutes of Health
Classification: Uncertain significance for Tuberous sclerosis syndrome. Last evaluated: 2024-01-08. Review status: criteria provided, single submitter. Criteria: ACMG Guidelines, 2015. Collection method: clinical testing. Allele origin: germline. Inheritance: Autosomal dominant inheritance. Observed: 1 variant allele, 1 heterozygote.
Comment: This missense variant replaces tyrosine with cysteine at codon 1333 of the TSC2 protein. Computational prediction suggests that this variant may not impact protein structure and function (internally defined REVEL score threshold <= 0.5, PMID: 27666373). To our knowledge, functional studies have not been reported for this variant. This variant has not been reported in individuals affected with tuberous sclerosis complex in the literature. This variant has not been identified in the general population by the Genome Aggregation Database (gnomAD). The available evidence is insufficient to determine the role of this variant in disease conclusively. Therefore, this variant is classified as a Variant of Uncertain Significance.

This study involves interpretation of variants in research participants for the purpose of population health screening. Participant phenotype was not available at the time of variant classification. Additional details can be found in publication PMID: 35346344, PMCID: PMC8962531

Baylor Genetics
Classification: Uncertain significance for Isolated focal cortical dysplasia type II. Last evaluated: 2023-07-08. Review status: criteria provided, single submitter. Criteria: ACMG Guidelines, 2015. Collection method: clinical testing. Allele origin: unknown.

Labcorp Genetics (formerly Invitae), Labcorp
Classification: Uncertain significance for Tuberous sclerosis 2. Last evaluated: 2021-09-18. Review status: criteria provided, single submitter. Criteria: Invitae Variant Classification Sherloc (09022015). Collection method: clinical testing. Allele origin: germline.
Comment: This variant is not present in population databases (ExAC no frequency). In summary, the available evidence is currently insufficient to determine the role of this variant in disease. Therefore, it has been classified as a Variant of Uncertain Significance. Algorithms developed to predict the effect of missense changes on protein structure and function (SIFT, PolyPhen-2, Align-GVGD) all suggest that this variant is likely to be disruptive. ClinVar contains an entry for this variant (Variation ID: 238038). This variant has not been reported in the literature in individuals affected with TSC2-related conditions. This sequence change replaces tyrosine with cysteine at codon 1333 of the TSC2 protein (p.Tyr1333Cys). The tyrosine residue is moderately conserved and there is a large physicochemical difference between tyrosine and cysteine.